The following is an entry in ClinVar:

ClinVar aggregate classification (germline): Likely pathogenic (1 of 4 stars; one submission).

Conditions:
Autosomal recessive limb-girdle muscular dystrophy type 2J (LGMDR10). Also called: Limb-girdle muscular dystrophy, type 2J; MUSCULAR DYSTROPHY, LIMB-GIRDLE, AUTOSOMAL RECESSIVE 10. Identifiers: Orphanet 140922, MedGen C1837342, MONDO:0012127, OMIM 608807.
Dilated cardiomyopathy 1G (CMD1G). Identifiers: Orphanet 154, MedGen C1858763, MONDO:0011400, OMIM 604145.

Submission:

Labcorp Genetics (formerly Invitae), Labcorp
Classification: Likely pathogenic for Dilated cardiomyopathy 1G; Autosomal recessive limb-girdle muscular dystrophy type 2J. Last evaluated: 2026-01-06. Review status: criteria provided, single submitter. Criteria: Invitae Variant Classification Sherloc (09022015). Collection method: clinical testing. Allele origin: germline.
Comment: This sequence change creates a premature translational stop signal (p.Tyr23807Leufs*19) in the TTN gene. While this is not anticipated to result in nonsense mediated decay, it is expected to create a truncated TTN protein. This variant is not present in population databases (gnomAD no frequency). This variant has not been reported in the literature in individuals affected with TTN-related conditions. This variant is located in the A band of TTN (PMID: 25589632). Truncating variants in this region are significantly overrepresented in patients affected with dilated cardiomyopathy (PMID: 25589632). Truncating variants in this region have also been reported in individuals affected with autosomal recessive centronuclear myopathy (PMID: 23975875). In summary, the currently available evidence indicates that the variant is pathogenic, but additional data are needed to prove that conclusively. Therefore, this variant has been classified as Likely Pathogenic.

Literature cited by the submitters: PubMed 25589632; PubMed 23975875.

NM_001267550.2(TTN):c.71419dup (p.Tyr23807fs)

Genes: TTN (titin; minus strand), TTN-AS1 (TTN antisense RNA 1; plus strand). Cytogenetic location: 2q31.2.
Variant type: Duplication.
Coding change: c.71419dup on transcript NM_001267550.2 (MANE Select); coding-DNA position 71419, one base duplicated (T; older notation c.71419dupT).
Protein change: p.Tyr23807fs; shifts the reading frame from tyrosine 23807.
Molecular consequence: frameshift variant.
Genome position (GRCh38, 1-based): chr2:178,574,713, A duplicated on the plus strand (T on the coding strand, the reverse complement: TTN is on the minus strand). VCF-style (leftmost placement, unchanged base first): chr2-178574712-T-TA. GRCh37 (hg19) VCF-style: chr2-179439439-T-TA.
Other names: c.66496dup, p.Tyr22166fs (NM_001256850.1); c.44224dup, p.Tyr14742fs (NM_003319.4); c.63715dup, p.Tyr21239fs (NM_133378.4); c.44599dup, p.Tyr14867fs (NM_133432.3); c.44800dup, p.Tyr14934fs (NM_133437.4); short protein forms Y14742fs, Y22166fs, Y14934fs, Y21239fs, Y23807fs, Y14867fs.
Identifiers: ClinVar variation 4787148 (VCV004787148.1).